The following is an entry in ClinVar:

NM_001040108.2(MLH3):c.3439A>G (p.Asn1147Asp)

Gene: MLH3 (mutL homolog 3; minus strand). Cytogenetic location: 14q24.3.
Variant type: single nucleotide variant.
Coding change: c.3439A>G on transcript NM_001040108.2 (MANE Select); coding-DNA position 3439, A replaced by G.
Protein change: p.Asn1147Asp; replaces asparagine 1147 with aspartic acid.
Molecular consequence: missense variant.
Genome position (GRCh38, 1-based): chr14:75,041,641, T>C on the plus strand (A>G on the coding strand, the complement: MLH3 is on the minus strand). VCF-style: chr14-75041641-T-C. GRCh37 (hg19) VCF-style: chr14-75508344-T-C.
Other names: c.3439A>G, p.Asn1147Asp (NM_014381.3); short protein forms N1147D.
Identifiers: ClinVar variation 1731435 (VCV001731435.3), dbSNP rs2503211668, ClinGen allele CA390430620.

ClinVar aggregate classification (germline): Uncertain significance (1 of 4 stars; one submission).

Allele frequency attached by ClinVar (database versions not stated): gnomAD exomes below 0.00001.
gnomAD v4.1: 2 of 1,613,850 alleles (0.00012%); highest among the groups gnomAD compares: Non-Finnish European, 0.00017%; no homozygotes.

Submission:

Ambry Genetics
Classification: Uncertain significance. Last evaluated: 2025-04-21. Review status: criteria provided, single submitter. Criteria: Ambry Variant Classification Scheme 2023. Collection method: clinical testing. Allele origin: germline.
Comment: The p.N1147D variant (also known as c.3439A>G), located in coding exon 3 of the MLH3 gene, results from an A to G substitution at nucleotide position 3439. The asparagine at codon 1147 is replaced by aspartic acid, an amino acid with highly similar properties. This amino acid position is conserved. In addition, the in silico prediction for this alteration is inconclusive. Since supporting evidence is limited at this time, the clinical significance of this alteration remains unclear.